The following is an entry in ClinVar:

ClinVar aggregate classification (germline): Uncertain significance (1 of 4 stars; one submission).

Conditions:
Inborn genetic diseases. Identifiers: MedGen C0950123, MeSH D030342.

Submission:

Ambry Genetics
Classification: Uncertain significance for Inborn genetic diseases. Last evaluated: 2022-07-25. Review status: criteria provided, single submitter. Criteria: Ambry Variant Classification Scheme 2023. Collection method: clinical testing. Allele origin: germline.
Comment: The p.N2500K variant (also known as c.7500T>A), located in coding exon 44 of the ATR gene, results from a T to A substitution at nucleotide position 7500. The asparagine at codon 2500 is replaced by lysine, an amino acid with similar properties. This amino acid position is conserved. In addition, the in silico prediction for this alteration is inconclusive. Since supporting evidence is limited at this time, the clinical significance of this alteration remains unclear.

NM_001184.4(ATR):c.7500T>A (p.Asn2500Lys)

Gene: ATR (ATR checkpoint kinase; minus strand). Cytogenetic location: 3q23.
Variant type: single nucleotide variant.
Coding change: c.7500T>A on transcript NM_001184.4 (MANE Select); coding-DNA position 7500, T replaced by A.
Protein change: p.Asn2500Lys; replaces asparagine 2500 with lysine.
Molecular consequence: missense variant.
Genome position (GRCh38, 1-based): chr3:142,458,961, A>T on the plus strand (T>A on the coding strand, the complement: ATR is on the minus strand). VCF-style: chr3-142458961-A-T. GRCh37 (hg19) VCF-style: chr3-142177803-A-T.
Other names: c.7308T>A, p.Asn2436Lys (NM_001354579.2); short protein forms N2436K, N2500K.
Identifiers: ClinVar variation 1759219 (VCV001759219.2), dbSNP rs751057775, ClinGen allele CA354795698.